The following is an entry in ClinVar:

NM_004336.5(BUB1):c.2504C>T (p.Thr835Ile)

Gene: BUB1 (BUB1 mitotic checkpoint serine/threonine kinase; minus strand). Cytogenetic location: 2q13.
Variant type: single nucleotide variant.
Coding change: c.2504C>T on transcript NM_004336.5 (MANE Select); coding-DNA position 2504, C replaced by T.
Protein change: p.Thr835Ile; replaces threonine 835 with isoleucine.
Molecular consequence: missense variant.
Genome position (GRCh38, 1-based): chr2:110,641,763, G>A on the plus strand (C>T on the coding strand, the complement: BUB1 is on the minus strand). VCF-style: chr2-110641763-G-A. GRCh37 (hg19) VCF-style: chr2-111399340-G-A.
Other names: c.2444C>T, p.Thr815Ile (NM_001278616.2); c.2504C>T, p.Thr835Ile (NM_001278617.2); short protein forms T815I, T835I.
Identifiers: ClinVar variation 3224050 (VCV003224050.1), dbSNP rs778754030, ClinGen allele CA1827763.

ClinVar aggregate classification (germline): Uncertain significance (1 of 4 stars; one submission).

Allele frequency attached by ClinVar (database versions not stated): gnomAD exomes below 0.00001; ExAC 0.00001; TOPMed 0.00001.

Submission:

Ambry Genetics
Classification: Uncertain significance. Last evaluated: 2023-10-21. Review status: criteria provided, single submitter. Criteria: Ambry Variant Classification Scheme 2023. Collection method: clinical testing. Allele origin: germline.
Comment: The p.T835I variant (also known as c.2504C>T), located in coding exon 21 of the BUB1 gene, results from a C to T substitution at nucleotide position 2504. The threonine at codon 835 is replaced by isoleucine, an amino acid with similar properties. This amino acid position is conserved. In addition, this alteration is predicted to be tolerated by in silico analysis. Since supporting evidence is limited at this time, the clinical significance of this alteration remains unclear.